The following is an entry in ClinVar:

NM_004517.4(ILK):c.1105_1108del (p.Asn369fs)

Genes: ILK (integrin linked kinase; plus strand), TAF10 (TATA-box binding protein associated factor 10; minus strand). Cytogenetic location: 11p15.4.
Variant type: Deletion.
Coding change: c.1105_1108del on transcript NM_004517.4 (MANE Select); coding-DNA positions 1105 to 1108, 4 bases deleted (AACA; older notation c.1105_1108delAACA).
Protein change: p.Asn369fs; shifts the reading frame from asparagine 369.
Molecular consequence: frameshift variant. On other transcripts: 3 prime UTR variant (1).
Genome position (GRCh38, 1-based): chr11:6,610,174-6,610,177, AACA deleted; deleting any 4 consecutive bases within chr11:6,610,171-6,610,177 gives the same sequence; the c. name uses the placement nearest the transcript's 3' end. VCF-style (leftmost placement, unchanged base first): chr11-6610170-CACAA-C. GRCh37 (hg19) VCF-style: chr11-6631401-CACAA-C.
Other names: c.1105_1108del, p.Asn369fs (NM_001014794.3, NM_001014795.3); c.922_925del, p.Asn308fs (NM_001278441.2); c.703_706del, p.Asn235fs (NM_001278442.2); c.*748_*751del (NM_006284.4); short protein forms N235fs, N308fs, N369fs.
Identifiers: ClinVar variation 2078334 (VCV002078334.5), dbSNP rs765201243, ClinGen allele CA5858286.

ClinVar aggregate classification (germline): Uncertain significance. Review status: criteria provided, multiple submitters, no conflicts (2 of 4 stars). 2 submissions from 2 submitters: Uncertain significance (2). Last evaluated 2024-07-22.

Conditions:
ILK-related disorder. Also called: ILK-related condition.
Primary familial hypertrophic cardiomyopathy (HCM). Identifiers: Orphanet 99739, MedGen C0949658, MeSH D024741, MONDO:0024573. Inheritance: Various modes of inheritance.

Submissions (2):

Labcorp Genetics (formerly Invitae), Labcorp
Classification: Uncertain significance for Primary familial hypertrophic cardiomyopathy. Last evaluated: 2024-07-22. Review status: criteria provided, single submitter. Criteria: Invitae Variant Classification Sherloc (09022015). Collection method: clinical testing. Allele origin: germline.
Comment: This sequence change creates a premature translational stop signal (p.Asn369Aspfs*17) in the ILK gene. It is expected to result in an absent or disrupted protein product. However, the current clinical and genetic evidence is not sufficient to establish whether loss-of-function variants in ILK cause disease. This variant is present in population databases (rs765201243, gnomAD 0.007%). This premature translational stop signal has been observed in individual(s) with peripartum cardiomyopathy (PMID: 33874732). ClinVar contains an entry for this variant (Variation ID: 2078334). In summary, the available evidence is currently insufficient to determine the role of this variant in disease. Therefore, it has been classified as a Variant of Uncertain Significance.

PreventionGenetics, part of Exact Sciences
Classification: Uncertain significance for ILK-related condition. Last evaluated: 2023-06-12. Review status: criteria provided, single submitter. Criteria: ACMG Guidelines, 2015. Collection method: clinical testing. Allele origin: germline.
Comment: The ILK c.1105_1108delAACA variant is predicted to result in a frameshift and premature protein termination (p.Asn369Aspfs*17). This variant was reported in an individual with peripartum cardiomyopathy; however, no additional evidence was provided to support causation (Table S2, Goli et al 2021. PubMed ID: 33874732). This variant is reported in 0.0062% of alleles in individuals of African descent in gnomAD. Premature termination is not an established mechanism of ILK-related disease. At this time, the clinical significance of this variant is uncertain due to the absence of conclusive functional and genetic evidence.

Literature cited by the submitters: PubMed 33874732 (cited by Labcorp Genetics (formerly Invitae), Labcorp).